The following is an entry in ClinVar:

ClinVar aggregate classification (germline): Uncertain significance (1 of 4 stars; one submission).

Conditions:
Charcot-Marie-Tooth disease type 2. Also called: Charcot-Marie-Tooth type 2. Identifiers: Orphanet 64746, MedGen C0270914, MONDO:0018993.

Submission:

Labcorp Genetics (formerly Invitae), Labcorp
Classification: Uncertain significance for Charcot-Marie-Tooth disease type 2. Last evaluated: 2020-02-29. Review status: criteria provided, single submitter. Criteria: Invitae Variant Classification Sherloc (09022015). Collection method: clinical testing. Allele origin: germline.
Comment: This sequence change replaces lysine with arginine at codon 79 of the KIF1B protein (p.Lys79Arg). The lysine residue is highly conserved and there is a small physicochemical difference between lysine and arginine. This variant is not present in population databases (ExAC no frequency). This variant has not been reported in the literature in individuals with KIF1B-related conditions. Algorithms developed to predict the effect of missense changes on protein structure and function (SIFT, PolyPhen-2, Align-GVGD) all suggest that this variant is likely to be tolerated, but these predictions have not been confirmed by published functional studies and their clinical significance is uncertain. Algorithms developed to predict the effect of sequence changes on RNA splicing suggest that this variant may create or strengthen a splice site, but this prediction has not been confirmed by published transcriptional studies. In summary, the available evidence is currently insufficient to determine the role of this variant in disease. Therefore, it has been classified as a Variant of Uncertain Significance.

NM_001365951.3(KIF1B):c.236A>G (p.Lys79Arg)

Gene: KIF1B (kinesin family member 1B; plus strand). Cytogenetic location: 1p36.22.
Variant type: single nucleotide variant.
Coding change: c.236A>G on transcript NM_001365951.3 (MANE Select); coding-DNA position 236, A replaced by G.
Protein change: p.Lys79Arg; replaces lysine 79 with arginine.
Molecular consequence: missense variant.
Genome position (GRCh38, 1-based): chr1:10,258,545, A>G. VCF-style: chr1-10258545-A-G. GRCh37 (hg19) VCF-style: chr1-10318603-A-G.
Other names: c.236A>G, p.Lys79Arg (NM_001365952.1, NM_001365953.1, NM_015074.3 and 1 more transcripts); short protein forms K79R.
Identifiers: ClinVar variation 1025553 (VCV001025553.8), dbSNP rs1647931694, ClinGen allele CA338324977.
Genomic context (GRCh38, chr1:10,258,545, plus strand): 5'-CTTTACAGCCCGAAGATCCCTGTTTTGCATCTCAAAACCGTGTGTACAATGACATTGGCA[A>G]GGAAATGCTCTTACACGCCTTTGAGGGATATAATGTCTGTATTTTTGCCTATGGGCAGAC-3'
Protein context (NP_001352880.1, residues 69-89): SQNRVYNDIG[Lys79Arg]EMLLHAFEGY